The following is an entry in ClinVar:

NM_001204.7(BMPR2):c.1313C>G (p.Thr438Arg)

Gene: BMPR2 (bone morphogenetic protein receptor type 2; plus strand). Cytogenetic location: 2q33.2.
Variant type: single nucleotide variant.
Coding change: c.1313C>G on transcript NM_001204.7 (MANE Select); coding-DNA position 1313, C replaced by G.
Protein change: p.Thr438Arg; replaces threonine 438 with arginine.
Molecular consequence: missense variant.
Genome position (GRCh38, 1-based): chr2:202,542,347, C>G. VCF-style: chr2-202542347-C-G. GRCh37 (hg19) VCF-style: chr2-203407070-C-G.
Other names: short protein forms T438R.
Identifiers: ClinVar variation 3992205 (VCV003992205.1).

ClinVar aggregate classification (germline): Uncertain significance (1 of 4 stars; one submission).

Conditions:
Inborn genetic diseases. Identifiers: MedGen C0950123, MeSH D030342.

Submission:

Ambry Genetics
Classification: Uncertain significance for Inborn genetic diseases. Last evaluated: 2025-05-29. Review status: criteria provided, single submitter. Criteria: Ambry Variant Classification Scheme 2023. Collection method: clinical testing. Allele origin: germline.
Comment: The p.T438R variant (also known as c.1313C>G), located in coding exon 10 of the BMPR2 gene, results from a C to G substitution at nucleotide position 1313. The threonine at codon 438 is replaced by arginine, an amino acid with similar properties. This amino acid position is conserved. In addition, the in silico prediction for this alteration is inconclusive. Based on the available evidence, the clinical significance of this variant remains unclear.